The following is an entry in ClinVar:

ClinVar aggregate classification (germline): Uncertain significance (1 of 4 stars; one submission).

Conditions:
Nephronophthisis. Also called: Juvenile Nephronophthisis. Identifiers: Orphanet 655, MedGen C0687120, MONDO:0019005, HP:0000090.

Allele frequency attached by ClinVar (database versions not stated): gnomAD exomes below 0.00001.
gnomAD v4.1: 3 of 1,609,300 alleles (0.00019%); highest among the groups gnomAD compares: East Asian, 0.0045%; no homozygotes.

Submission:

Labcorp Genetics (formerly Invitae), Labcorp
Classification: Uncertain significance for Nephronophthisis. Last evaluated: 2022-03-10. Review status: criteria provided, single submitter. Criteria: Invitae Variant Classification Sherloc (09022015). Collection method: clinical testing. Allele origin: germline.
Comment: This sequence change replaces threonine, which is neutral and polar, with alanine, which is neutral and non-polar, at codon 6 of the IQCB1 protein (p.Thr6Ala). This variant is present in population databases (rs749733618, gnomAD 0.01%). This variant has not been reported in the literature in individuals affected with IQCB1-related conditions. ClinVar contains an entry for this variant (Variation ID: 957160). Algorithms developed to predict the effect of missense changes on protein structure and function (SIFT, PolyPhen-2, Align-GVGD) all suggest that this variant is likely to be tolerated. In summary, the available evidence is currently insufficient to determine the role of this variant in disease. Therefore, it has been classified as a Variant of Uncertain Significance.

NM_001023570.4(IQCB1):c.16A>G (p.Thr6Ala)

Gene: IQCB1 (IQ motif containing B1; minus strand). Cytogenetic location: 3q13.33.
Variant type: single nucleotide variant.
Coding change: c.16A>G on transcript NM_001023570.4 (MANE Select); coding-DNA position 16, A replaced by G.
Protein change: p.Thr6Ala; replaces threonine 6 with alanine.
Molecular consequence: missense variant. On other transcripts: non-coding transcript variant (1).
Genome position (GRCh38, 1-based): chr3:121,828,945, T>C on the plus strand (A>G on the coding strand, the complement: IQCB1 is on the minus strand). VCF-style: chr3-121828945-T-C. GRCh37 (hg19) VCF-style: chr3-121547792-T-C.
Other names: c.16A>G, p.Thr6Ala (NM_001023571.4, NM_001319107.2); short protein forms T6A.
Identifiers: ClinVar variation 957160 (VCV000957160.9), dbSNP rs749733618, ClinGen allele CA2567536.
Genomic context (GRCh38, chr3:121,828,945, plus strand): 5'-GGACATTCTGCTCAGGGCTTTTTGCAACTTCAGCAGCTATAGATAAGATCCTTGGGTCTG[T>C]ACCTGTTGGCTTCATTTCTCTTATTACCTATATTTTAACAGAATCAGAGAATAAAGGTCA-3'
Protein context (NP_001018864.2, residues 1-16): MKPTG[Thr6Ala]DPRILSIAAE